The following is an entry in ClinVar:

NM_000254.3(MTR):c.181A>C (p.Arg61=)

Gene: MTR (5-methyltetrahydrofolate-homocysteine methyltransferase; plus strand). Cytogenetic location: 1q43.
Variant type: single nucleotide variant.
Coding change: c.181A>C on transcript NM_000254.3 (MANE Select); coding-DNA position 181, A replaced by C.
Protein change: p.Arg61=; no amino-acid change (arginine 61 retained).
Molecular consequence: synonymous variant. On other transcripts: 5 prime UTR variant (1).
Genome position (GRCh38, 1-based): chr1:236,803,574, A>C. VCF-style: chr1-236803574-A-C. GRCh37 (hg19) VCF-style: chr1-236966874-A-C.
Other names: c.181A>C, p.Arg61= (NM_001291939.1); c.-928A>C (NM_001291940.2).
Identifiers: ClinVar variation 296549 (VCV000296549.13), dbSNP rs886046217, ClinGen allele CA10610492.

ClinVar aggregate classification (germline): Conflicting classifications of pathogenicity. Review status: criteria provided, conflicting classifications (1 of 4 stars). 3 submissions from 3 submitters: Uncertain significance (1); Likely benign (2). Last evaluated 2025-03-10.

Conditions:
Disorders of Intracellular Cobalamin Metabolism. Identifiers: MedGen CN043592.
Methylcobalamin deficiency type cblG (HMAG). Also called: HOMOCYSTINURIA-MEGALOBLASTIC ANEMIA, cblG TYPE; HOMOCYSTINURIA-MEGALOBLASTIC ANEMIA DUE TO DEFECT IN COBALAMIN METABOLISM, cblG COMPLEMENTATION TYPE; HOMOCYSTINURIA-MEGALOBLASTIC ANEMIA, cblG COMPLEMENTATION TYPE; Functional methionine synthase deficiency type cblG. Identifiers: Orphanet 2170, Orphanet 622, MedGen C1855128, MONDO:0009609, OMIM 250940.

Allele frequency attached by ClinVar (database versions not stated): gnomAD exomes 0.00001.
gnomAD v4.1: 15 of 1,614,224 alleles (0.00093%); highest among the groups gnomAD compares: African/African-American, 0.0013%; no homozygotes.

Submissions (3):

Labcorp Genetics (formerly Invitae), Labcorp
Classification: Likely benign for Methylcobalamin deficiency type cblG. Last evaluated: 2025-03-10. Review status: criteria provided, single submitter. Criteria: Invitae Variant Classification Sherloc (09022015). Collection method: clinical testing. Allele origin: germline.

Illumina Laboratory Services, Illumina
Classification: Uncertain significance for Disorders of Intracellular Cobalamin Metabolism. Last evaluated: 2018-01-13. Review status: criteria provided, single submitter. Criteria: ICSL Variant Classification Criteria 13 December 2019. Collection method: clinical testing. Allele origin: germline.

GeneDx
Classification: Likely benign. Last evaluated: 2016-06-16. Review status: criteria provided, single submitter. Criteria: GeneDx Variant Classification (06012015). Collection method: clinical testing. Allele origin: germline. Affected: yes.
Comment: This variant is considered likely benign or benign based on one or more of the following criteria: it is a conservative change, it occurs at a poorly conserved position in the protein, it is predicted to be benign by multiple in silico algorithms, and/or has population frequency not consistent with disease.